The following is an entry in ClinVar:

NM_016213.5(TRIP4):c.1305G>C (p.Trp435Cys)

Gene: TRIP4 (thyroid hormone receptor interactor 4; plus strand). Cytogenetic location: 15q22.31.
Variant type: single nucleotide variant.
Coding change: c.1305G>C on transcript NM_016213.5 (MANE Select); coding-DNA position 1305, G replaced by C.
Protein change: p.Trp435Cys; replaces tryptophan 435 with cysteine.
Molecular consequence: missense variant. On other transcripts: non-coding transcript variant (1).
Genome position (GRCh38, 1-based): chr15:64,418,675, G>C. VCF-style: chr15-64418675-G-C. GRCh37 (hg19) VCF-style: chr15-64710874-G-C.
Other names: p.Trp435Cys; c.615G>C, p.Trp205Cys (NM_001321924.2); short protein forms W205C, W435C.
Identifiers: ClinVar variation 1243686 (VCV001243686.11), dbSNP rs113596176, ClinGen allele CA7609612.

ClinVar aggregate classification (germline): Conflicting classifications of pathogenicity. Review status: criteria provided, conflicting classifications (1 of 4 stars). 5 submissions from 5 submitters: Uncertain significance (2); Benign (2); Likely benign (1). Last evaluated 2026-03-03.

Conditions:
Inborn genetic diseases. Identifiers: MedGen C0950123, MeSH D030342.
TRIP4-related disorder. Also called: TRIP4-related condition; TRIP4-related disorders.

Allele frequency attached by ClinVar (database versions not stated): 1000 Genomes Project 30x 0.00047; gnomAD 0.00048 and 0.00052; 1000 Genomes Project 0.00060; ESP Exome Variant Server 0.00062; TOPMed 0.00066; gnomAD exomes 0.00072; ExAC 0.00074.
gnomAD v4.1: 1,156 of 1,614,034 alleles (0.072%); highest among the groups gnomAD compares: Middle Eastern, 0.93%; 4 homozygotes.

Submissions (5):

PreventionGenetics, part of Exact Sciences
Classification: Uncertain significance for TRIP4-related condition. Last evaluated: 2026-03-03. Review status: criteria provided, single submitter. Criteria: ACMG Guidelines, 2015. Collection method: clinical testing. Allele origin: germline.
Comment: The TRIP4 c.1305G>C variant is predicted to result in the amino acid substitution p.Trp435Cys. To our knowledge, this variant has not been reported in the literature. This variant is reported in 0.10% of alleles in individuals of European (Non-Finnish) descent in gnomAD. Although we suspect that this variant may be benign, at this time, the clinical significance of this variant is uncertain due to the absence of conclusive functional and genetic evidence.

Labcorp Genetics (formerly Invitae), Labcorp
Classification: Likely benign. Last evaluated: 2025-12-13. Review status: criteria provided, single submitter. Criteria: Invitae Variant Classification Sherloc (09022015). Collection method: clinical testing. Allele origin: germline.

Ambry Genetics
Classification: Uncertain significance for Inborn genetic diseases. Last evaluated: 2025-08-03. Review status: criteria provided, single submitter. Criteria: Ambry Variant Classification Scheme 2023. Collection method: clinical testing. Allele origin: germline.

Mayo Clinic Laboratories, Mayo Clinic
Classification: Benign. Last evaluated: 2025-03-04. Review status: criteria provided, single submitter. Criteria: ACMG Guidelines, 2015. Collection method: clinical testing. Allele origin: germline. Observed: 1 variant allele.
Comment: BS1, BS2

GeneDx
Classification: Benign. Last evaluated: 2019-03-21. Review status: criteria provided, single submitter. Criteria: GeneDx Variant Classification Process June 2021. Collection method: clinical testing. Allele origin: germline. Affected: yes.